The following is an entry in ClinVar:

ClinVar aggregate classification (germline): Uncertain significance (1 of 4 stars; one submission).

Submission:

GeneDx
Classification: Uncertain significance. Last evaluated: 2026-02-03. Review status: criteria provided, single submitter. Criteria: GeneDx Variant Classification Process June 2021. Collection method: clinical testing. Allele origin: germline.
Comment: De novo variant with confirmed parentage in patients referred for genetic testing at GeneDx with reported clinical features that are only partially consistent with the features typically observed in individuals with pathogenic variants in this gene; Frameshift variant predicted to result in protein truncation or nonsense mediated decay in a gene for which loss of function is not an established mechanism of disease; Not observed at significant frequency in large population cohorts (gnomAD); Has not been previously published as pathogenic or benign to our knowledge

NM_002730.4(PRKACA):c.90dup (p.Trp31fs)

Gene: PRKACA (protein kinase cAMP-activated catalytic subunit alpha; minus strand). Cytogenetic location: 19p13.12.
Variant type: Duplication.
Coding change: c.90dup on transcript NM_002730.4 (MANE Select); coding-DNA position 90, one base duplicated (A; older notation c.90dupA).
Protein change: p.Trp31fs; shifts the reading frame from tryptophan 31.
Molecular consequence: frameshift variant.
Genome position (GRCh38, 1-based): chr19:14,107,366, T duplicated on the plus strand (A on the coding strand, the reverse complement: PRKACA is on the minus strand); the first of 6 consecutive T bases (chr19:14,107,366-14,107,371); duplicating any one gives the same sequence. VCF-style (leftmost placement, unchanged base first): chr19-14107365-A-AT. GRCh37 (hg19) VCF-style: chr19-14218177-A-AT.
Other names: c.318dup, p.Trp107fs (NM_001304349.2); c.66dup, p.Trp23fs (NM_207518.3); short protein forms W107fs, W23fs, W31fs.
Identifiers: ClinVar variation 4976174 (VCV004976174.1).